The following is an entry in ClinVar:

NM_000235.4(LIPA):c.715T>C (p.Phe239Leu)

Gene: LIPA (lipase A, lysosomal acid type; minus strand). Cytogenetic location: 10q23.31.
Variant type: single nucleotide variant.
Coding change: c.715T>C on transcript NM_000235.4 (MANE Select); coding-DNA position 715, T replaced by C.
Protein change: p.Phe239Leu; replaces phenylalanine 239 with leucine.
Molecular consequence: missense variant.
Genome position (GRCh38, 1-based): chr10:89,223,791, A>G on the plus strand (T>C on the coding strand, the complement: LIPA is on the minus strand). VCF-style: chr10-89223791-A-G. GRCh37 (hg19) VCF-style: chr10-90983548-A-G.
Other names: c.715T>C, p.Phe239Leu (NM_001127605.3); c.367T>C, p.Phe123Leu (NM_001288979.2); short protein forms F239L, F123L.
Identifiers: ClinVar variation 3538435 (VCV003538435.1).

ClinVar aggregate classification (germline): Uncertain significance (1 of 4 stars; one submission).

Conditions:
Cardiovascular phenotype. Identifiers: MedGen CN230736.

Submission:

Ambry Genetics
Classification: Uncertain significance for Cardiovascular phenotype. Last evaluated: 2024-09-11. Review status: criteria provided, single submitter. Criteria: Ambry Variant Classification Scheme 2023. Collection method: clinical testing. Allele origin: germline.
Comment: The p.F239L variant (also known as c.715T>C), located in coding exon 6 of the LIPA gene, results from a T to C substitution at nucleotide position 715. The phenylalanine at codon 239 is replaced by leucine, an amino acid with highly similar properties. This amino acid position is conserved. In addition, this alteration is predicted to be tolerated by in silico analysis. Based on the available evidence, the clinical significance of this variant remains unclear.